The following is an entry in ClinVar:

ClinVar aggregate classification (germline): Uncertain significance. Review status: criteria provided, multiple submitters, no conflicts (2 of 4 stars). 2 submissions from 2 submitters: Uncertain significance (2). Last evaluated 2025-02-11.

Submissions (2):

Labcorp Genetics (formerly Invitae), Labcorp
Classification: Uncertain significance. Last evaluated: 2025-02-11. Review status: criteria provided, single submitter. Criteria: Invitae Variant Classification Sherloc (09022015). Collection method: clinical testing. Allele origin: germline.
Comment: This sequence change replaces glutamine, which is neutral and polar, with lysine, which is basic and polar, at codon 80 of the OR2W3 protein (p.Gln80Lys). This variant is present in population databases (rs761032797, gnomAD 0.003%). This variant has not been reported in the literature in individuals affected with OR2W3-related conditions. ClinVar contains an entry for this variant (Variation ID: 2515637). An algorithm developed to predict the effect of missense changes on protein structure and function (PolyPhen-2) suggests that this variant is likely to be disruptive. In summary, the available evidence is currently insufficient to determine the role of this variant in disease. Therefore, it has been classified as a Variant of Uncertain Significance.

Ambry Genetics
Classification: Uncertain significance. Last evaluated: 2023-04-07. Review status: criteria provided, single submitter. Criteria: Ambry Variant Classification Scheme 2023. Collection method: clinical testing. Allele origin: germline.

NM_001001957.2(OR2W3):c.238C>A (p.Gln80Lys)

Gene: OR2W3 (olfactory receptor family 2 subfamily W member 3; plus strand). Cytogenetic location: 1q44.
Variant type: single nucleotide variant.
Coding change: c.238C>A on transcript NM_001001957.2 (MANE Select); coding-DNA position 238, C replaced by A.
Protein change: p.Gln80Lys; replaces glutamine 80 with lysine.
Molecular consequence: missense variant.
Genome position (GRCh38, 1-based): chr1:247,895,824, C>A. VCF-style: chr1-247895824-C-A. GRCh37 (hg19) VCF-style: chr1-248059126-C-A.
Other names: short protein forms Q80K.
Identifiers: ClinVar variation 2515637 (VCV002515637.5), dbSNP rs761032797, ClinGen allele CA1498551.
Genomic context (GRCh38, chr1:247,895,824, plus strand): 5'-TACTTCTTCCTCGCCCACCTTTCCTTCCTGGACCTCAGTTTCACCACCAGCTCCATCCCC[C>A]AGCTGCTCTACAACCTTAATGGATGTGACAAGACCATCAGCTACATGGGCTGTGCCATCC-3'
Protein context (NP_001001957.2, residues 70-90): DLSFTTSSIP[Gln80Lys]LLYNLNGCDK